The following is an entry in ClinVar:

NM_003126.4(SPTA1):c.1723C>T (p.Arg575Cys)

Gene: SPTA1 (spectrin alpha, erythrocytic 1; minus strand). Cytogenetic location: 1q23.1.
Variant type: single nucleotide variant.
Coding change: c.1723C>T on transcript NM_003126.4 (MANE Select); coding-DNA position 1723, C replaced by T.
Protein change: p.Arg575Cys; replaces arginine 575 with cysteine.
Molecular consequence: missense variant.
Genome position (GRCh38, 1-based): chr1:158,669,518, G>A on the plus strand (C>T on the coding strand, the complement: SPTA1 is on the minus strand). VCF-style: chr1-158669518-G-A. GRCh37 (hg19) VCF-style: chr1-158639308-G-A.
Other names: short protein forms R575C.
Identifiers: ClinVar variation 2436346 (VCV002436346.4), dbSNP rs747469591, ClinGen allele CA1183639.
Genomic context (GRCh38, chr1:158,669,518, plus strand): 5'-TTAGGTCATCTGAGTCCTCATACAGTTTTTGCAGAAGCAATGACTCCTTCAGCAATCTAC[G>A]TCTAGTGGCAGCCTTTTCACGTAGGGCATCCCGCCGGGCTAACAGCTGCAAAAACCATGA-3'
Protein context (NP_003117.2, residues 565-585): DALREKAATR[Arg575Cys]RLLKESLLLQ

ClinVar aggregate classification (germline): Uncertain significance. Review status: criteria provided, multiple submitters, no conflicts (2 of 4 stars). 2 submissions from 2 submitters: Uncertain significance (2). Last evaluated 2026-01-12.

Allele frequency attached by ClinVar (database versions not stated): gnomAD exomes below 0.00001; ExAC 0.00001; TOPMed 0.00001.
gnomAD v4.1: 7 of 1,614,080 alleles (0.00043%); highest among the groups gnomAD compares: Admixed American, 0.0067%; no homozygotes.

Submissions (2):

Labcorp Genetics (formerly Invitae), Labcorp
Classification: Uncertain significance. Last evaluated: 2026-01-12. Review status: criteria provided, single submitter. Criteria: Invitae Variant Classification Sherloc (09022015). Collection method: clinical testing. Allele origin: germline.
Comment: This sequence change replaces arginine, which is basic and polar, with cysteine, which is neutral and slightly polar, at codon 575 of the SPTA1 protein (p.Arg575Cys). This variant is present in population databases (rs747469591, gnomAD 0.009%). This variant has not been reported in the literature in individuals affected with SPTA1-related conditions. ClinVar contains an entry for this variant (Variation ID: 2436346). Invitae Evidence Modeling of protein sequence and biophysical properties (such as structural, functional, and spatial information, amino acid conservation, physicochemical variation, residue mobility, and thermodynamic stability) indicates that this missense variant is not expected to disrupt SPTA1 protein function with a negative predictive value of 80%. In summary, the available evidence is currently insufficient to determine the role of this variant in disease. Therefore, it has been classified as a Variant of Uncertain Significance.

Revvity Omics, Revvity
Classification: Uncertain significance. Last evaluated: 2022-12-13. Review status: criteria provided, single submitter. Criteria: ACMG Guidelines, 2015. Collection method: clinical testing. Allele origin: germline.